The following is an entry in ClinVar:

ClinVar aggregate classification (germline): Conflicting classifications of pathogenicity. Review status: criteria provided, conflicting classifications (1 of 4 stars). 5 submissions from 5 submitters: Uncertain significance (3); Likely benign (1). 1 of the submissions does not count toward it. Last evaluated 2026-01-18.

Conditions:
Nephronophthisis 16 (NPHP16). Identifiers: Orphanet 655, MedGen C3809320, MONDO:0014158, OMIM 615382.
ANKS6-related disorder. Also called: ANKS6-related condition.

Allele frequency attached by ClinVar (database versions not stated): 1000 Genomes Project 30x 0.00016; 1000 Genomes Project 0.00020; TOPMed 0.00062; gnomAD 0.00079 and 0.00081; ESP Exome Variant Server 0.00090; gnomAD exomes 0.00110 and 0.00111; ExAC 0.00191.
gnomAD v4.1: 1,716 of 1,613,736 alleles (0.11%); highest among the groups gnomAD compares: Non-Finnish European, 0.13%; 1 homozygote.

Submissions (5):

Labcorp Genetics (formerly Invitae), Labcorp
Classification: Likely benign for Nephronophthisis 16. Last evaluated: 2026-01-18. Review status: criteria provided, single submitter. Criteria: Invitae Variant Classification Sherloc (09022015). Collection method: clinical testing. Allele origin: germline.

Blueprint Genetics
Classification: Uncertain significance. Last evaluated: 2024-11-22. Review status: criteria provided, single submitter. Criteria: ACMG Guidelines, 2015. Collection method: clinical testing. Allele origin: germline.

GeneDx
Classification: Uncertain significance. Last evaluated: 2024-10-08. Review status: criteria provided, single submitter. Criteria: GeneDx Variant Classification Process June 2021. Collection method: clinical testing. Allele origin: germline. Affected: yes.
Comment: Reported in the heterozygous state in a patient with cystic kidney disease in published literature; this patient was also heterozygous for variants in other genes that may explain the phenotype (PMID: 25646624); In silico analysis supports that this missense variant has a deleterious effect on protein structure/function; This variant is associated with the following publications: (PMID: 25646624)

CeGaT Center for Human Genetics Tuebingen
Classification: Uncertain significance. Last evaluated: 2022-04-01. Review status: criteria provided, single submitter. Criteria: CeGaT Center For Human Genetics Tuebingen Variant Classification Criteria Version 2. Collection method: clinical testing. Allele origin: germline. Affected: yes. Observed: 1 variant allele.

PreventionGenetics, part of Exact Sciences
Classification: Likely benign for ANKS6-related condition. Last evaluated: 2023-12-03. Review status: no assertion criteria provided. Collection method: clinical testing. Allele origin: germline. Not counted in ClinVar's aggregate classification.
Comment: This variant is classified as likely benign based on ACMG/AMP sequence variant interpretation guidelines (Richards et al. 2015 PMID: 25741868, with internal and published modifications).

NM_173551.5(ANKS6):c.2564T>C (p.Phe855Ser)

Gene: ANKS6 (ankyrin repeat and sterile alpha motif domain containing 6; minus strand). Cytogenetic location: 9q22.33.
Variant type: single nucleotide variant.
Coding change: c.2564T>C on transcript NM_173551.5 (MANE Select); coding-DNA position 2564, T replaced by C.
Protein change: p.Phe855Ser; replaces phenylalanine 855 with serine.
Molecular consequence: missense variant.
Genome position (GRCh38, 1-based): chr9:98,736,571, A>G on the plus strand (T>C on the coding strand, the complement: ANKS6 is on the minus strand). VCF-style: chr9-98736571-A-G. GRCh37 (hg19) VCF-style: chr9-101498853-A-G.
Other names: c.2564T>C (NM_173551.3); short protein forms F855S.
Identifiers: ClinVar variation 474451 (VCV000474451.43), dbSNP rs200644058, ClinGen allele CA5153099.
Genomic context (GRCh38, chr9:98,736,571, plus strand): 5'-AAGGAGGATCACGCACAGGGGCTGTTGCCAGGGGCCCTGGTGTTGCTGGCACTGCTCTCA[A>G]AGGAAGAGTGAAAGTTGTGAATGGTTTCCTGTAAAATTTGTCTCTCGCGTCCCTGTGGAG-3'
Protein context (NP_775822.3, residues 845-865): QETIHNFHSS[Phe855Ser]ESSASNTRAP